The following is an entry in ClinVar:

NM_000057.4(BLM):c.3062A>G (p.Asn1021Ser)

Gene: BLM (BLM RecQ like helicase; plus strand). Cytogenetic location: 15q26.1.
Variant type: single nucleotide variant.
Coding change: c.3062A>G on transcript NM_000057.4 (MANE Select); coding-DNA position 3062, A replaced by G.
Protein change: p.Asn1021Ser; replaces asparagine 1021 with serine.
Molecular consequence: missense variant.
Genome position (GRCh38, 1-based): chr15:90,794,209, A>G. VCF-style: chr15-90794209-A-G. GRCh37 (hg19) VCF-style: chr15-91337439-A-G.
Other names: c.3062A>G, p.Asn1021Ser (NM_001287246.2, NM_001287247.2); c.1937A>G, p.Asn646Ser (NM_001287248.2); short protein forms N1021S, N646S.
Identifiers: ClinVar variation 454126 (VCV000454126.21), dbSNP rs369629509, ClinGen allele CA7738935.

ClinVar aggregate classification (germline): Conflicting classifications of pathogenicity. Review status: criteria provided, conflicting classifications (1 of 4 stars). 5 submissions from 5 submitters: Uncertain significance (2); Benign (1); Likely benign (1). 1 of the submissions does not count toward it. Last evaluated 2025-12-30.

Conditions:
Hereditary cancer-predisposing syndrome. Also called: Hereditary Cancer Syndrome; Tumor predisposition; Hereditary neoplastic syndrome; Neoplastic Syndromes, Hereditary. Identifiers: Orphanet 140162, MedGen C0027672, MeSH D009386, MONDO:0015356.
Bloom syndrome (BLM). Also called: Bloom-Torre-Machacek syndrome. Identifiers: Orphanet 125, MedGen C0005859, MONDO:0008876, OMIM 210900.

Allele frequency attached by ClinVar (database versions not stated): ESP Exome Variant Server 0.00008; gnomAD 0.00006; TOPMed 0.00004.
gnomAD v4.1: 32 of 1,606,046 alleles (0.002%); highest among the groups gnomAD compares: Middle Eastern, 0.033%; no homozygotes.

Submissions (5):

Labcorp Genetics (formerly Invitae), Labcorp
Classification: Benign for Bloom syndrome. Last evaluated: 2025-12-30. Review status: criteria provided, single submitter. Criteria: Invitae Variant Classification Sherloc (09022015). Collection method: clinical testing. Allele origin: germline.

Quest Diagnostics Nichols Institute San Juan Capistrano
Classification: Uncertain significance. Last evaluated: 2025-08-25. Review status: criteria provided, single submitter. Criteria: Quest Diagnostics criteria. Collection method: clinical testing. Allele origin: unknown.
Comment: The BLM c.3062A>G (p.Asn1021Ser) variant has not been reported in individuals with BLM-related conditions in the published literature. The frequency of this variant in the general population (Genome Aggregation Database) is uninformative in the assessment of its pathogenicity. Analysis of this variant using bioinformatics tools for the prediction of the effect of amino acid changes on protein structure and function yielded predictions that this variant is benign. Based on the available information, we are unable to determine the clinical significance of this variant.

Dasa
Classification: Uncertain significance. Last evaluated: 2025-06-23. Review status: criteria provided, single submitter. Criteria: DASA Assertion Criteria. Collection method: clinical testing. Allele origin: germline.
Comment: NM_000057.4(BLM):c.3062A>G (p.Asn1021Ser) is a missense variant that results in the substitution of asparagine with serine. Published studies describe this variant in association with related phenotype (PMID: 30523343). Also, this variant is rare in population databases. Computational prediction algorithms are consistent with a benign effect. The currently available literature and clinical evidence are not sufficient to establish a definitive association between this variant and the reported condition. Therefore, this variant is classified as a variant of uncertain significance.

Ambry Genetics
Classification: Likely benign for Hereditary cancer-predisposing syndrome. Last evaluated: 2024-11-09. Review status: criteria provided, single submitter. Criteria: Ambry Variant Classification Scheme 2023. Collection method: clinical testing. Allele origin: germline.

Natera, Inc.
Classification: Uncertain significance for Bloom syndrome. Last evaluated: 2018-08-31. Review status: no assertion criteria provided. Collection method: clinical testing. Allele origin: germline. Not counted in ClinVar's aggregate classification.

Literature cited by the submitters: PubMed 31937788 (cited by Quest Diagnostics Nichols Institute San Juan Capistrano); PubMed 30523343 (cited by Dasa).